The following is an entry in ClinVar:

NM_181703.4(GJA5):c.1028G>A (p.Arg343His)

Gene: GJA5 (gap junction protein alpha 5; minus strand). Cytogenetic location: 1q21.2.
Variant type: single nucleotide variant.
Coding change: c.1028G>A on transcript NM_181703.4 (MANE Select); coding-DNA position 1028, G replaced by A.
Protein change: p.Arg343His; replaces arginine 343 with histidine.
Molecular consequence: missense variant.
Genome position (GRCh38, 1-based): chr1:147,758,211, C>T on the plus strand (G>A on the coding strand, the complement: GJA5 is on the minus strand). VCF-style: chr1-147758211-C-T. GRCh37 (hg19) VCF-style: chr1-147230319-C-T.
Other names: c.1028G>A (NM_005266.5); c.1028G>A, p.Arg343His (NM_005266.7); short protein forms R343H.
Identifiers: ClinVar variation 1380742 (VCV001380742.9), dbSNP rs782627991, ClinGen allele CA1065655.

ClinVar aggregate classification (germline): Uncertain significance. Review status: criteria provided, multiple submitters, no conflicts (2 of 4 stars). 3 submissions from 3 submitters: Uncertain significance (3). Last evaluated 2026-02-17.

Conditions:
Inborn genetic diseases. Identifiers: MedGen C0950123, MeSH D030342.
Atrial fibrillation, familial, 11 (ATFB11). Identifiers: MedGen C3279693, MONDO:0013544, OMIM 614049.
Atrial standstill 1 (ATRST1). Also called: Atrial standstill, digenic (GJA5/SCN5A); ATRIAL CARDIOMYOPATHY WITH HEART BLOCK; CARDIOMYOPATHY, FAMILIAL, WITH CONDUCTION DISTURBANCE. Identifiers: Orphanet 1344, MedGen C4551959, MONDO:0007171, OMIM 108770.

Allele frequency attached by ClinVar (database versions not stated): gnomAD exomes 0.00001 and below 0.00001; ExAC 0.00002.
gnomAD v4.1: 2 of 1,614,108 alleles (0.00012%); highest among the groups gnomAD compares: Admixed American, 0.0017%; no homozygotes.

Submissions (3):

GeneDx
Classification: Uncertain significance. Last evaluated: 2026-02-17. Review status: criteria provided, single submitter. Criteria: GeneDx Variant Classification Process June 2021. Collection method: clinical testing. Allele origin: germline.
Comment: Not observed at significant frequency in large population cohorts (gnomAD); In silico analysis supports that this missense variant has a deleterious effect on protein structure/function; Has not been previously published as pathogenic or benign to our knowledge

Ambry Genetics
Classification: Uncertain significance for Inborn genetic diseases. Last evaluated: 2024-07-02. Review status: criteria provided, single submitter. Criteria: Ambry Variant Classification Scheme 2023. Collection method: clinical testing. Allele origin: germline.

Labcorp Genetics (formerly Invitae), Labcorp
Classification: Uncertain significance for Atrial fibrillation, familial, 11; Atrial standstill 1. Last evaluated: 2022-03-02. Review status: criteria provided, single submitter. Criteria: Invitae Variant Classification Sherloc (09022015). Collection method: clinical testing. Allele origin: germline.
Comment: In summary, the available evidence is currently insufficient to determine the role of this variant in disease. Therefore, it has been classified as a Variant of Uncertain Significance. This variant is present in population databases (rs782627991, gnomAD 0.003%). This sequence change replaces arginine, which is basic and polar, with histidine, which is basic and polar, at codon 343 of the GJA5 protein (p.Arg343His). This variant has not been reported in the literature in individuals affected with GJA5-related conditions. Experimental studies and prediction algorithms are not available or were not evaluated, and the functional significance of this variant is currently unknown.